The following is an entry in ClinVar:

ClinVar aggregate classification (germline): Uncertain significance (1 of 4 stars; one submission).

Conditions:
Familial isolated arrhythmogenic right ventricular dysplasia. Identifiers: Orphanet 217656, MedGen C4274968, MONDO:0016342.

Submission:

All of Us Research Program, National Institutes of Health
Classification: Uncertain significance for Familial isolated arrhythmogenic right ventricular dysplasia. Last evaluated: 2023-06-26. Review status: criteria provided, single submitter. Criteria: ACMG Guidelines, 2015. Collection method: clinical testing. Allele origin: germline. Inheritance: Autosomal dominant inheritance. Observed: 1 variant allele, 1 heterozygote.
Comment: This missense variant replaces leucine with valine at codon 711 of the DSC2 protein. Computational prediction suggests that this variant may not impact protein structure and function (internally defined REVEL score threshold <= 0.5, PMID: 27666373). To our knowledge, functional studies have not been reported for this variant. This variant has not been reported in individuals affected with DSC2-related disorders in the literature. This variant has not been identified in the general population by the Genome Aggregation Database (gnomAD). The available evidence is insufficient to determine the role of this variant in disease conclusively. Therefore, this variant is classified as a Variant of Uncertain Significance.

This study involves interpretation of variants in research participants for the purpose of population health screening. Participant phenotype was not available at the time of variant classification. Additional details can be found in publication PMID: 35346344, PMCID: PMC8962531

NM_024422.6(DSC2):c.2131C>G (p.Leu711Val)

Gene: DSC2 (desmocollin 2; minus strand). Cytogenetic location: 18q12.1.
Variant type: single nucleotide variant.
Coding change: c.2131C>G on transcript NM_024422.6 (MANE Select); coding-DNA position 2131, C replaced by G.
Protein change: p.Leu711Val; replaces leucine 711 with valine.
Molecular consequence: missense variant.
Genome position (GRCh38, 1-based): chr18:31,070,845, G>C on the plus strand (C>G on the coding strand, the complement: DSC2 is on the minus strand). VCF-style: chr18-31070845-G-C. GRCh37 (hg19) VCF-style: chr18-28650811-G-C.
Other names: c.1702C>G, p.Leu568Val (NM_001406506.1, NM_001406507.1); c.2131C>G, p.Leu711Val (NM_004949.5); short protein forms L568V, L711V.
Identifiers: ClinVar variation 3072151 (VCV003072151.1), dbSNP rs1214149293, ClinGen allele CA402112582.
Genomic context (GRCh38, chr18:31,070,845, plus strand): 5'-CATCAGGAATTACTTTTGGTTGTTTAGACGTCCCAGAAGCCCCACAGACCAGCGTAAACA[G>C]GATGCCTGGAGGAAGAAAGAAATATACTTGAGTTTATCATAAAATAATATGAAGTTATAA-3'
Protein context (NP_077740.1, residues 701-721): LLGIALLFCI[Leu711Val]FTLVCGASGT